The following is an entry in ClinVar:

NM_000059.4(BRCA2):c.4633del (p.Leu1545fs)

Gene: BRCA2 (BRCA2 DNA repair associated; plus strand). Cytogenetic location: 13q13.1.
Variant type: Deletion.
Coding change: c.4633del on transcript NM_000059.4 (MANE Select); coding-DNA position 4633, one base deleted (C; older notation c.4633delC).
Protein change: p.Leu1545fs; shifts the reading frame from leucine 1545.
Molecular consequence: frameshift variant.
Genome position (GRCh38, 1-based): chr13:32,338,988, C deleted; the last of 2 consecutive C bases (chr13:32,338,987-32,338,988); deleting either gives the same sequence. VCF-style (leftmost placement, unchanged base first): chr13-32338986-AC-A. GRCh37 (hg19) VCF-style: chr13-32913123-AC-A.
Other names: c.4633delC (NM_000059.3).
Identifiers: ClinVar variation 230589 (VCV000230589.21), dbSNP rs876658654, ClinGen allele CA10579626.

ClinVar aggregate classification (germline): Pathogenic. Review status: reviewed by expert panel (3 of 4 stars). 9 submissions from 9 submitters: Pathogenic (1). 8 of the submissions do not count toward it. Last evaluated 2017-12-15.

Conditions:
Hereditary cancer-predisposing syndrome. Also called: Hereditary Cancer Syndrome; Neoplastic Syndromes, Hereditary; Tumor predisposition; Hereditary neoplastic syndrome. Identifiers: Orphanet 140162, MedGen C0027672, MeSH D009386, MONDO:0015356.
Breast-ovarian cancer, familial, susceptibility to, 2 (BROVCA2). Also called: BRCA2 Hereditary Breast and Ovarian Cancer. Identifiers: Orphanet 145, MedGen C2675520, MONDO:0012933, OMIM 612555. Disease mechanism: loss of function.
Hereditary breast ovarian cancer syndrome. Also called: Hereditary breast and/or ovarian cancer syndrome; BRCA1- and BRCA2-Associated Hereditary Breast and Ovarian Cancer; Hereditary breast and ovarian cancer syndrome (HBOC); Hereditary breast and ovarian cancer; Hereditary breast and ovarian cancer syndrome; Breast and ovarian cancer. Identifiers: Orphanet 145, MedGen C0677776, MeSH D061325, MONDO:0003582. Disease mechanism: loss of function.
Familial cancer of breast. Also called: Hereditary breast cancer; hereditary breast carcinoma; BREAST CANCER, FAMILIAL. Identifiers: Orphanet 227535, MedGen C0346153, MONDO:0016419, OMIM 114480. Disease mechanism: loss of function.

Submissions (9):

Evidence-based Network for the Interpretation of Germline Mutant Alleles (ENIGMA)
Classification: Pathogenic for Breast-ovarian cancer, familial, susceptibility to, 2. Last evaluated: 2017-12-15. Review status: reviewed by expert panel. Criteria: ENIGMA BRCA1/2 Classification Criteria (2017-06-29). Collection method: curation. Allele origin: germline. Study: ENIGMA.
Comment: Variant allele predicted to encode a truncated non-functional protein.

Labcorp Genetics (formerly Invitae), Labcorp
Classification: Pathogenic for Hereditary breast ovarian cancer syndrome. Last evaluated: 2025-10-07. Review status: criteria provided, single submitter. Criteria: Invitae Variant Classification Sherloc (09022015). Collection method: clinical testing. Allele origin: germline. Not counted in ClinVar's aggregate classification.
Comment: This sequence change creates a premature translational stop signal (p.Leu1545Phefs*23) in the BRCA2 gene. It is expected to result in an absent or disrupted protein product. Loss-of-function variants in BRCA2 are known to be pathogenic (PMID: 20104584). This variant is not present in population databases (gnomAD no frequency). This variant has not been reported in the literature in individuals affected with BRCA2-related conditions. ClinVar contains an entry for this variant (Variation ID: 230589). For these reasons, this variant has been classified as Pathogenic.

Ambry Genetics
Classification: Pathogenic for Hereditary cancer-predisposing syndrome. Last evaluated: 2024-12-29. Review status: criteria provided, single submitter. Criteria: Ambry Variant Classification Scheme 2023. Collection method: clinical testing. Allele origin: germline. Not counted in ClinVar's aggregate classification.
Comment: The c.4633delC pathogenic mutation, located in coding exon 10 of the BRCA2 gene, results from a deletion of one nucleotide at nucleotide position 4633, causing a translational frameshift with a predicted alternate stop codon (p.L1545Ffs*23). This variant was identified in 1/826 unselected Chinese ovarian cancer patients (Wu X et al. Int J Gynecol Cancer, 2017 10;27:1650-1657). This variant is considered to be rare based on population cohorts in the Genome Aggregation Database (gnomAD). In addition to the clinical data presented in the literature, this alteration is expected to result in loss of function by premature protein truncation or nonsense-mediated mRNA decay. As such, this alteration is interpreted as a disease-causing mutation.

ARUP Laboratories, Molecular Genetics and Genomics, ARUP Laboratories
Classification: Pathogenic. Last evaluated: 2024-10-24. Review status: criteria provided, single submitter. Criteria: ARUP Molecular Germline Variant Investigation Process 2024. Collection method: clinical testing. Allele origin: germline. Not counted in ClinVar's aggregate classification.
Comment: The BRCA2 c.4633del;p.Leu1545PhefsTer23 variant (rs876658654, ClinVar Variation ID 230589) is reported in the literature in individuals affected with breast or ovarian cancer (Olafsdottir 2020, Wu 2017). This variant is absent from the Genome Aggregation Database (v2.1.1), indicating it is not a common polymorphism. This variant causes a frameshift by deleting a single nucleotide, so it is predicted to result in a truncated protein or mRNA subject to nonsense-mediated decay. Based on available information, this variant is considered to be pathogenic. References: Olafsdottir EJ et al. Breast cancer survival in Nordic BRCA2 mutation carriers-unconventional association with oestrogen receptor status. Br J Cancer. 2020 Nov. PMID: 32939053. Wu X et al. The First Nationwide Multicenter Prevalence Study of Germline BRCA1 and BRCA2 Mutations in Chinese Ovarian Cancer Patients. Int J Gynecol Cancer. 2017 Oct. PMID: 28692638.

Quest Diagnostics Nichols Institute San Juan Capistrano
Classification: Pathogenic. Last evaluated: 2024-03-23. Review status: criteria provided, single submitter. Criteria: Quest Diagnostics criteria. Collection method: clinical testing. Allele origin: unknown. Not counted in ClinVar's aggregate classification.
Comment: The BRCA2 c.4633del (p.Leu1545Phefs*23) variant alters the translational reading frame of the BRCA2 mRNA and causes the premature termination of BRCA2 protein synthesis. This variant has been reported in the published literature in individuals affected with breast and/or ovarian cancer (PMIDs: 32939053 (2020), 31825140 (2019), 30702160 (2019), 28692638 (2017)). This variant has not been reported in large, multi-ethnic general populations (Genome Aggregation Database). Based on the available information, this variant is classified as pathogenic.

All of Us Research Program, National Institutes of Health
Classification: Pathogenic for Breast-ovarian cancer, familial, susceptibility to, 2. Last evaluated: 2024-01-08. Review status: criteria provided, single submitter. Criteria: ACMG Guidelines, 2015. Collection method: clinical testing. Allele origin: germline. Inheritance: Autosomal dominant inheritance. Observed: 1 variant allele, 1 heterozygote. Not counted in ClinVar's aggregate classification.
Comment: This variant deletes 1 nucleotide in exon 11 of the BRCA2 gene, creating a frameshift and premature translation stop signal. This variant is expected to result in an absent or non-functional protein product. This variant has been reported in at least two individuals affected with breast or ovarian cancer (PMID: 28692638, 32939053). This variant has not been identified in the general population by the Genome Aggregation Database (gnomAD). Loss of BRCA2 function is a known mechanism of disease. Based on the available evidence, this variant is classified as Pathogenic.

This study involves interpretation of variants in research participants for the purpose of population health screening. Participant phenotype was not available at the time of variant classification. Additional details can be found in publication PMID: 35346344, PMCID: PMC8962531

GeneDx
Classification: Pathogenic. Last evaluated: 2023-12-08. Review status: criteria provided, single submitter. Criteria: GeneDx Variant Classification Process June 2021. Collection method: clinical testing. Allele origin: germline. Affected: yes. Not counted in ClinVar's aggregate classification.
Comment: Frameshift variant predicted to result in protein truncation or nonsense mediated decay in a gene for which loss of function is a known mechanism of disease; Not observed at significant frequency in large population cohorts (gnomAD); Truncating variants in this gene are considered pathogenic by a well-established clinical consortium and/or database; Observed in individual(s) with ovarian cancer (PMID: 28692638); Also known as 4851delC; This variant is associated with the following publications: (PMID: 31825140, 30702160, 28692638, 31853058)

Baylor Genetics
Classification: Pathogenic for Familial cancer of breast. Last evaluated: 2023-06-13. Review status: criteria provided, single submitter. Criteria: ACMG Guidelines, 2015. Collection method: clinical testing. Allele origin: unknown. Not counted in ClinVar's aggregate classification.

Clinical Genetics Laboratory, Skane University Hospital Lund
Classification: Pathogenic. Last evaluated: 2022-05-27. Review status: criteria provided, single submitter. Criteria: ACMG Guidelines, 2015. Collection method: clinical testing. Allele origin: germline. Affected: yes. Not counted in ClinVar's aggregate classification.

Literature cited by the submitters: PubMed 20104584 (cited by Labcorp Genetics (formerly Invitae), Labcorp); PubMed 28692638 (cited by 3 submitters); PubMed 31825140 (cited by Quest Diagnostics Nichols Institute San Juan Capistrano); PubMed 30702160 (cited by Quest Diagnostics Nichols Institute San Juan Capistrano); PubMed 31853058 (cited by Quest Diagnostics Nichols Institute San Juan Capistrano); PubMed 32486089 (cited by Quest Diagnostics Nichols Institute San Juan Capistrano); PubMed 32566972 (cited by Quest Diagnostics Nichols Institute San Juan Capistrano); PubMed 32939053 (cited by Quest Diagnostics Nichols Institute San Juan Capistrano and All of Us Research Program, National Institutes of Health); PubMed 37461096 (cited by Quest Diagnostics Nichols Institute San Juan Capistrano).